The following is an entry in ClinVar:

ClinVar aggregate classification (germline): Uncertain significance. Review status: criteria provided, multiple submitters, no conflicts (2 of 4 stars). 3 submissions from 3 submitters: Uncertain significance (3). Last evaluated 2025-06-26.

Conditions:
Hereditary spastic paraplegia 7 (SPG7). Also called: Autosomal recessive spastic paraplegia type 7; Spastic paraplegia 7; Hereditary spastic paraplegia Paraplegin type; SPG7-related neurologic disorder; SPASTIC PARAPLEGIA 7, AUTOSOMAL RECESSIVE, WITH OR WITHOUT CEREBELLAR ATAXIA. Identifiers: Orphanet 99013, MedGen C1846564, MONDO:0011803, OMIM 607259.

Allele frequency attached by ClinVar (database versions not stated): TOPMed below 0.00001; gnomAD 0.00001; gnomAD exomes 0.00003 and 0.00004; ExAC 0.00006.
gnomAD v4.1: 41 of 1,613,512 alleles (0.0025%); highest among the groups gnomAD compares: East Asian, 0.018%; no homozygotes.

Submissions (3):

Mayo Clinic Laboratories, Mayo Clinic
Classification: Uncertain significance. Last evaluated: 2025-06-26. Review status: criteria provided, single submitter. Criteria: ACMG Guidelines, 2015. Collection method: clinical testing. Allele origin: germline. Observed: 1 variant allele.
Comment: PP3

Labcorp Genetics (formerly Invitae), Labcorp
Classification: Uncertain significance for Hereditary spastic paraplegia 7. Last evaluated: 2021-11-03. Review status: criteria provided, single submitter. Criteria: Invitae Variant Classification Sherloc (09022015). Collection method: clinical testing. Allele origin: germline.
Comment: This sequence change replaces arginine, which is basic and polar, with glutamine, which is neutral and polar, at codon 400 of the SPG7 protein (p.Arg400Gln). This variant is present in population databases (rs541757224, gnomAD 0.006%). This variant has not been reported in the literature in individuals affected with SPG7-related conditions. Advanced modeling of protein sequence and biophysical properties (such as structural, functional, and spatial information, amino acid conservation, physicochemical variation, residue mobility, and thermodynamic stability) performed at Invitae indicates that this missense variant is expected to disrupt SPG7 protein function. In summary, the available evidence is currently insufficient to determine the role of this variant in disease. Therefore, it has been classified as a Variant of Uncertain Significance.

Blueprint Genetics
Classification: Uncertain significance. Last evaluated: 2020-07-07. Review status: criteria provided, single submitter. Criteria: ACMG Guidelines, 2015. Collection method: clinical testing. Allele origin: germline.

NM_003119.4(SPG7):c.1199G>A (p.Arg400Gln)

Gene: SPG7 (SPG7 matrix AAA peptidase subunit, paraplegin; plus strand). Cytogenetic location: 16q24.3.
Variant type: single nucleotide variant.
Coding change: c.1199G>A on transcript NM_003119.4 (MANE Select); coding-DNA position 1199, G replaced by A.
Protein change: p.Arg400Gln; replaces arginine 400 with glutamine.
Molecular consequence: missense variant.
Genome position (GRCh38, 1-based): chr16:89,532,511, G>A. VCF-style: chr16-89532511-G-A. GRCh37 (hg19) VCF-style: chr16-89598919-G-A.
Other names: p.Arg400Gln; c.1199G>A, p.Arg400Gln (NM_001363850.1, NM_199367.3); short protein forms R400Q.
Identifiers: ClinVar variation 1378360 (VCV001378360.5), dbSNP rs541757224, ClinGen allele CA8243989.